The following is an entry in ClinVar:

NM_002691.4(POLD1):c.2729G>A (p.Arg910Gln)

Gene: POLD1 (DNA polymerase delta 1, catalytic subunit; plus strand). Cytogenetic location: 19q13.33.
Variant type: single nucleotide variant.
Coding change: c.2729G>A on transcript NM_002691.4 (MANE Select); coding-DNA position 2729, G replaced by A.
Protein change: p.Arg910Gln; replaces arginine 910 with glutamine.
Molecular consequence: missense variant.
Genome position (GRCh38, 1-based): chr19:50,415,735, G>A. VCF-style: chr19-50415735-G-A. GRCh37 (hg19) VCF-style: chr19-50918992-G-A.
Other names: c.2729G>A, p.Arg910Gln (NM_001256849.1, LRG_785t1); c.2807G>A, p.Arg936Gln (NM_001308632.1, LRG_785t2); c.2729G>A (NM_002691.2); short protein forms R910Q, R936Q.
Identifiers: ClinVar variation 570994 (VCV000570994.9), dbSNP rs1568638496, ClinGen allele CA406985834.

ClinVar aggregate classification (germline): Uncertain significance. Review status: criteria provided, multiple submitters, no conflicts (2 of 4 stars). 3 submissions from 3 submitters: Uncertain significance (3). Last evaluated 2025-11-24.

Conditions:
Hereditary cancer-predisposing syndrome. Also called: Tumor predisposition; Neoplastic Syndromes, Hereditary; Hereditary Cancer Syndrome; Hereditary neoplastic syndrome. Identifiers: Orphanet 140162, MedGen C0027672, MeSH D009386, MONDO:0015356.
POLD1-related polyposis and colorectal cancer syndrome (CRCS10). Also called: Colorectal cancer 10; COLORECTAL CANCER, SUSCEPTIBILITY TO, ON CHROMOSOME 19q; Colorectal cancer, susceptibility to, 10. Identifiers: Orphanet 220460, MedGen C2675481, MONDO:0012953, OMIM 612591.

Allele frequency attached by ClinVar (database versions not stated): gnomAD 0.00001; TOPMed 0.00001.

Submissions (3):

Labcorp Genetics (formerly Invitae), Labcorp
Classification: Uncertain significance for POLD1-related polyposis and colorectal cancer syndrome. Last evaluated: 2025-11-24. Review status: criteria provided, single submitter. Criteria: Invitae Variant Classification Sherloc (09022015). Collection method: clinical testing. Allele origin: germline.
Comment: This sequence change replaces arginine, which is basic and polar, with glutamine, which is neutral and polar, at codon 910 of the POLD1 protein (p.Arg910Gln). This variant is not present in population databases (gnomAD no frequency). This variant has not been reported in the literature in individuals affected with POLD1-related conditions. ClinVar contains an entry for this variant (Variation ID: 570994). Invitae Evidence Modeling of protein sequence and biophysical properties (such as structural, functional, and spatial information, amino acid conservation, physicochemical variation, residue mobility, and thermodynamic stability) indicates that this missense variant is expected to disrupt POLD1 protein function with a positive predictive value of 80%. In summary, the available evidence is currently insufficient to determine the role of this variant in disease. Therefore, it has been classified as a Variant of Uncertain Significance.

Ambry Genetics
Classification: Uncertain significance for Hereditary cancer-predisposing syndrome. Last evaluated: 2025-01-09. Review status: criteria provided, single submitter. Criteria: Ambry Variant Classification Scheme 2023. Collection method: clinical testing. Allele origin: germline.
Comment: The p.R910Q variant (also known as c.2729G>A), located in coding exon 21 of the POLD1 gene, results from a G to A substitution at nucleotide position 2729. The arginine at codon 910 is replaced by glutamine, an amino acid with highly similar properties. This amino acid position is highly conserved in available vertebrate species. In addition, this alteration is predicted to be tolerated by in silico analysis. Based on the available evidence, the clinical significance of this variant remains unclear.

GeneDx
Classification: Uncertain significance. Last evaluated: 2024-10-17. Review status: criteria provided, single submitter. Criteria: GeneDx Variant Classification Process June 2021. Collection method: clinical testing. Allele origin: germline. Affected: yes.
Comment: Not observed at significant frequency in large population cohorts (gnomAD); In silico analysis supports that this missense variant has a deleterious effect on protein structure/function; Has not been previously published as pathogenic or benign to our knowledge; This variant is associated with the following publications: (PMID: 29056344)